The following is an entry in ClinVar:

NM_001252024.2(TRPM1):c.4130G>A (p.Gly1377Asp)

Gene: TRPM1 (transient receptor potential cation channel subfamily M member 1; minus strand). Cytogenetic location: 15q13.3.
Variant type: single nucleotide variant.
Coding change: c.4130G>A on transcript NM_001252024.2 (MANE Select); coding-DNA position 4130, G replaced by A.
Protein change: p.Gly1377Asp; replaces glycine 1377 with aspartic acid.
Molecular consequence: missense variant.
Genome position (GRCh38, 1-based): chr15:31,002,570, C>T on the plus strand (G>A on the coding strand, the complement: TRPM1 is on the minus strand). VCF-style: chr15-31002570-C-T. GRCh37 (hg19) VCF-style: chr15-31294773-C-T.
Other names: c.4064G>A (NM_002420.4); c.4181G>A, p.Gly1394Asp (NM_001252020.2); c.4064G>A, p.Gly1355Asp (NM_002420.6); short protein forms G1355D, G1377D, G1394D.
Identifiers: ClinVar variation 1023662 (VCV001023662.13), dbSNP rs765973300, ClinGen allele CA7451693.

ClinVar aggregate classification (germline): Uncertain significance. Review status: criteria provided, multiple submitters, no conflicts (2 of 4 stars). 3 submissions from 3 submitters: Uncertain significance (3). Last evaluated 2025-10-01.

Conditions:
Inborn genetic diseases. Identifiers: MedGen C0950123, MeSH D030342.

Allele frequency attached by ClinVar (database versions not stated): gnomAD exomes 0.00001; ExAC 0.00002; TOPMed 0.00004; gnomAD 0.00007.
gnomAD v4.1: 19 of 1,613,996 alleles (0.0012%); highest among the groups gnomAD compares: African/African-American, 0.02%; no homozygotes.

Submissions (3):

Labcorp Genetics (formerly Invitae), Labcorp
Classification: Uncertain significance. Last evaluated: 2025-10-01. Review status: criteria provided, single submitter. Criteria: Invitae Variant Classification Sherloc (09022015). Collection method: clinical testing. Allele origin: germline.
Comment: This sequence change replaces glycine, which is neutral and non-polar, with aspartic acid, which is acidic and polar, at codon 1355 of the TRPM1 protein (p.Gly1355Asp). This variant is present in population databases (rs765973300, gnomAD 0.02%). This variant has not been reported in the literature in individuals affected with TRPM1-related conditions. ClinVar contains an entry for this variant (Variation ID: 1023662). Invitae Evidence Modeling of protein sequence and biophysical properties (such as structural, functional, and spatial information, amino acid conservation, physicochemical variation, residue mobility, and thermodynamic stability) indicates that this missense variant is not expected to disrupt TRPM1 protein function with a negative predictive value of 95%. In summary, the available evidence is currently insufficient to determine the role of this variant in disease. Therefore, it has been classified as a Variant of Uncertain Significance.

Ambry Genetics
Classification: Uncertain significance for Inborn genetic diseases. Last evaluated: 2025-04-11. Review status: criteria provided, single submitter. Criteria: Ambry Variant Classification Scheme 2023. Collection method: clinical testing. Allele origin: germline.

Blueprint Genetics
Classification: Uncertain significance. Last evaluated: 2022-08-23. Review status: criteria provided, single submitter. Criteria: ACMG Guidelines, 2015. Collection method: clinical testing. Allele origin: germline.